The following is an entry in ClinVar:

ClinVar aggregate classification (germline): Uncertain significance (1 of 4 stars; one submission).

Conditions:
Hereditary cancer-predisposing syndrome. Also called: Neoplastic Syndromes, Hereditary; Tumor predisposition; Hereditary Cancer Syndrome; Hereditary neoplastic syndrome. Identifiers: Orphanet 140162, MedGen C0027672, MeSH D009386, MONDO:0015356.
Cardiovascular phenotype. Identifiers: MedGen CN230736.

Submission:

Ambry Genetics
Classification: Uncertain significance for Cardiovascular phenotype; Hereditary cancer-predisposing syndrome. Last evaluated: 2021-12-06. Review status: criteria provided, single submitter. Criteria: Ambry Variant Classification Scheme 2023. Collection method: clinical testing. Allele origin: germline.
Comment: The p.H1163N variant (also known as c.3487C>A), located in coding exon 26 of the NF1 gene, results from a C to A substitution at nucleotide position 3487. The histidine at codon 1163 is replaced by asparagine, an amino acid with similar properties. This amino acid position is highly conserved in available vertebrate species. In addition, this alteration is predicted to be tolerated by in silico analysis. Since supporting evidence is limited at this time, the clinical significance of this alteration remains unclear.

NM_001042492.3(NF1):c.3487C>A (p.His1163Asn)

Gene: NF1 (neurofibromin 1; plus strand). Cytogenetic location: 17q11.2.
Variant type: single nucleotide variant.
Coding change: c.3487C>A on transcript NM_001042492.3 (MANE Select); coding-DNA position 3487, C replaced by A.
Protein change: p.His1163Asn; replaces histidine 1163 with asparagine.
Molecular consequence: missense variant.
Genome position (GRCh38, 1-based): chr17:31,232,872, C>A. VCF-style: chr17-31232872-C-A. GRCh37 (hg19) VCF-style: chr17-29559890-C-A.
Other names: c.3487C>A, p.His1163Asn (NM_000267.4); short protein forms H1163N.
Identifiers: ClinVar variation 1731881 (VCV001731881.2), dbSNP rs2151434868, ClinGen allele CA398989462.